The following is an entry in ClinVar:

ClinVar aggregate classification (germline): Likely benign. Review status: criteria provided, multiple submitters, no conflicts (2 of 4 stars). 2 submissions from 2 submitters: Likely benign (2). Last evaluated 2026-01-13.

Conditions:
Hereditary breast ovarian cancer syndrome. Also called: Hereditary breast and ovarian cancer; Hereditary breast and ovarian cancer syndrome (HBOC); Breast and ovarian cancer; Hereditary breast and/or ovarian cancer syndrome; BRCA1- and BRCA2-Associated Hereditary Breast and Ovarian Cancer; Hereditary breast and ovarian cancer syndrome. Identifiers: Orphanet 145, MedGen C0677776, MeSH D061325, MONDO:0003582. Disease mechanism: loss of function.
Breast-ovarian cancer, familial, susceptibility to, 1 (BROVCA1). Also called: BRCA1 Hereditary Breast and Ovarian Cancer; OVARIAN CANCER, SUSCEPTIBILITY TO. Identifiers: Orphanet 145, MedGen C2676676, MONDO:0011450, OMIM 604370. Disease mechanism: loss of function.

Allele frequency attached by ClinVar (database versions not stated): gnomAD exomes below 0.00001.
gnomAD v4.1: 1 of 1,609,360 alleles (0.000062%); highest among the groups gnomAD compares: African/African-American, 0.0013%; no homozygotes.

Submissions (3):

Labcorp Genetics (formerly Invitae), Labcorp
Classification: Likely benign for Hereditary breast ovarian cancer syndrome. Last evaluated: 2026-01-13. Review status: criteria provided, single submitter. Criteria: Invitae Variant Classification Sherloc (09022015). Collection method: clinical testing. Allele origin: germline.

All of Us Research Program, National Institutes of Health
Classification: Likely benign for Breast-ovarian cancer, familial, susceptibility to, 1. Last evaluated: 2023-06-26. Review status: criteria provided, single submitter. Criteria: ACMG Guidelines, 2015. Collection method: clinical testing. Allele origin: germline. Inheritance: Autosomal dominant inheritance. Observed: 1 variant allele, 1 heterozygote.
Comment: This study involves interpretation of variants in research participants for the purpose of population health screening. Participant phenotype was not available at the time of variant classification. Additional details can be found in publication PMID: 35346344, PMCID: PMC8962531

Brotman Baty Institute, University of Washington
No classification provided (evidence only). Condition: Breast-ovarian cancer, familial 1. Review status: no classification provided. Collection method: in vitro. Allele origin: not applicable. Functional consequence: functionally_normal. Not counted in ClinVar's aggregate classification.
ClinVar note: "not provided" was previously submitted as the classification for the variant. However, the classification appeared to be based only on an observation of functional data so it was converted to no classification on 2025-07-30.

NM_007294.4(BRCA1):c.213-9T>G

Gene: BRCA1 (BRCA1 DNA repair associated; minus strand). Cytogenetic location: 17q21.31.
Variant type: single nucleotide variant.
Coding change: c.213-9T>G on transcript NM_007294.4 (MANE Select); 9 bases into the intron before coding-DNA position 213, T replaced by G.
Molecular consequence: intron variant.
Genome position (GRCh38, 1-based): chr17:43,104,965, A>C on the plus strand (T>G on the coding strand, the complement: BRCA1 is on the minus strand). VCF-style: chr17-43104965-A-C. GRCh37 (hg19) VCF-style: chr17-41256982-A-C.
Other names: c.213-9T>G (NM_001407971.1, NM_001408406.1, NM_001407641.1 and 167 more transcripts); c.-169-9T>G (NM_001407965.1, NM_001407959.1, NM_001407962.1 and 4 more transcripts); c.72-9T>G (NM_001407930.1, NM_001407843.1, NM_001408456.1 and 99 more transcripts); c.3-9T>G (NM_001408482.1, NM_001407954.1, NM_001407896.1 and 58 more transcripts); c.135-9T>G (NM_001407874.1, NM_001408416.1, NM_001408414.1 and 21 more transcripts); c.-218-10105T>G (NM_001407967.1, NM_001407966.1); c.81-9T>G (NM_001408451.1).
Identifiers: ClinVar variation 867963 (VCV000867963.13), dbSNP rs2054700511, ClinGen allele CA916080859.
Genomic context (GRCh38, chr17:43,104,965, plus strand): 5'-TTTCAATAGCTCTTCAACAAGTTGACTAAATCTCGTACTTTCTTGTAGGCTCCTGAAATT[A>C]AATTGTTTGAGAAACACACTCAGCAAGTGATTATCAACCTTTTAAGGACACTAAAATAAG-3'